The following is an entry in ClinVar:

ClinVar aggregate classification (germline): Likely benign (1 of 4 stars; one submission).

gnomAD v4.1: 88 of 976,100 alleles (0.009%); highest among the groups gnomAD compares: African/African-American, 0.17%; 18 homozygotes.

Submission:

CeGaT Center for Human Genetics Tuebingen
Classification: Likely benign. Last evaluated: 2024-10-01. Review status: criteria provided, single submitter. Criteria: CeGaT Center For Human Genetics Tuebingen Variant Classification Criteria Version 2. Collection method: clinical testing. Allele origin: germline. Affected: yes. Observed: 3 variant alleles.
Comment: MUC4: BP4, BS2

NM_018406.7(MUC4):c.12064C>G (p.Pro4022Ala)

Genes: MUC4 (mucin 4, cell surface associated), LOC126806930 (BRD4-independent group 4 enhancer GRCh37_chr3:195505212-195506411). Cytogenetic location: 3q29.
Variant type: single nucleotide variant.
Coding change: c.12064C>G on transcript NM_018406.7 (MANE Select); coding-DNA position 12064, C replaced by G.
Protein change: p.Pro4022Ala; replaces proline 4022 with alanine.
Molecular consequence: missense variant. On other transcripts: intron variant (2).
Genome position (GRCh38, 1-based): chr3:195,779,516, G>C on the plus strand (C>G on the coding strand, the complement: MUC4 is on the minus strand). VCF-style: chr3-195779516-G-C. GRCh37 (hg19) VCF-style: chr3-195506387-G-C.
Other names: c.83-5211C>G (NM_138297.5); c.83-1061C>G (NM_004532.6); short protein forms P4022A.
Identifiers: ClinVar variation 3388494 (VCV003388494.14).